The following is an entry in ClinVar:

ClinVar aggregate classification (germline): Uncertain significance (1 of 4 stars; one submission).

Submission:

Labcorp Genetics (formerly Invitae), Labcorp
Classification: Uncertain significance. Last evaluated: 2020-11-27. Review status: criteria provided, single submitter. Criteria: Invitae Variant Classification Sherloc (09022015). Collection method: clinical testing. Allele origin: germline.
Comment: This variant is not present in population databases (ExAC no frequency). In summary, the available evidence is currently insufficient to determine the role of this variant in disease. Therefore, it has been classified as a Variant of Uncertain Significance. Algorithms developed to predict the effect of missense changes on protein structure and function are either unavailable or do not agree on the potential impact of this missense change (SIFT: "Tolerated"; PolyPhen-2: "Possibly Damaging"; Align-GVGD: "Class C0"). This variant has not been reported in the literature in individuals with IDH3A-related conditions. This sequence change replaces isoleucine with leucine at codon 267 of the IDH3A protein (p.Ile267Leu). The isoleucine residue is moderately conserved and there is a small physicochemical difference between isoleucine and leucine.

NM_005530.3(IDH3A):c.799A>C (p.Ile267Leu)

Gene: IDH3A (isocitrate dehydrogenase (NAD(+)) 3 catalytic subunit alpha; plus strand). Cytogenetic location: 15q25.1.
Variant type: single nucleotide variant.
Coding change: c.799A>C on transcript NM_005530.3 (MANE Select); coding-DNA position 799, A replaced by C.
Protein change: p.Ile267Leu; replaces isoleucine 267 with leucine.
Molecular consequence: missense variant.
Genome position (GRCh38, 1-based): chr15:78,165,011, A>C. VCF-style: chr15-78165011-A-C. GRCh37 (hg19) VCF-style: chr15-78457353-A-C.
Other names: short protein forms I267L.
Identifiers: ClinVar variation 1504204 (VCV001504204.8), dbSNP rs2141301297, ClinGen allele CA393545845.